The following is an entry in ClinVar:

NM_001114753.3(ENG):c.1002_1003delinsCT (p.Gln335Ter)

Gene: ENG (endoglin; minus strand). Cytogenetic location: 9q34.11.
Variant type: Indel.
Coding change: c.1002_1003delinsCT on transcript NM_001114753.3 (MANE Select); coding-DNA positions 1002 to 1003, GC replaced by CT.
Protein change: p.Gln335Ter; replaces glutamine 335 with a stop codon.
Molecular consequence: nonsense.
Genome position (GRCh38, 1-based): chr9:127,824,435-127,824,436, GC replaced by AG on the plus strand (GC replaced by CT on the coding strand, the reverse complement: ENG is on the minus strand). VCF-style: chr9-127824435-GC-AG. GRCh37 (hg19) VCF-style: chr9-130586714-GC-AG.
Other names: c.1002_1003delGCinsCT, p.Gln335Ter (NM_000118.4, NM_001406715.1); c.456_457delinsCT, p.Gln153Ter (NM_001278138.2); short protein forms Q335*, Q153*.
Identifiers: ClinVar variation 1770012 (VCV001770012.2), dbSNP rs2539071301, ClinGen allele CA2580079630.

ClinVar aggregate classification (germline): Pathogenic (1 of 4 stars; one submission).

Conditions:
Cardiovascular phenotype. Identifiers: MedGen CN230736.

Submission:

Ambry Genetics
Classification: Pathogenic for Cardiovascular phenotype. Last evaluated: 2022-06-01. Review status: criteria provided, single submitter. Criteria: Ambry Variant Classification Scheme 2023. Collection method: clinical testing. Allele origin: germline.
Comment: The c.1002_1003delGCinsCT pathogenic mutation (also known as p.Q335*), located in coding exon 8 of the ENG gene, results from an in-frame deletion of GC and insertion of CT at nucleotide positions 1002 to 1003. This results in a stop codon within coding exon 8. This variant is considered to be rare based on population cohorts in the Genome Aggregation Database (gnomAD). This alteration is expected to result in loss of function by premature protein truncation or nonsense-mediated mRNA decay. As such, this alteration is interpreted as a disease-causing mutation.